The following is an entry in ClinVar:

NM_001177316.2(SLC34A3):c.314C>T (p.Ala105Val)

Gene: SLC34A3 (solute carrier family 34 member 3; plus strand). Cytogenetic location: 9q34.3.
Variant type: single nucleotide variant.
Coding change: c.314C>T on transcript NM_001177316.2 (MANE Select); coding-DNA position 314, C replaced by T.
Protein change: p.Ala105Val; replaces alanine 105 with valine.
Molecular consequence: missense variant.
Genome position (GRCh38, 1-based): chr9:137,232,793, C>T. VCF-style: chr9-137232793-C-T. GRCh37 (hg19) VCF-style: chr9-140127245-C-T.
Other names: c.314C>T, p.Ala105Val (NM_001177317.2, NM_080877.3); short protein forms A105V.
Identifiers: ClinVar variation 1381759 (VCV001381759.6), dbSNP rs1273229869, ClinGen allele CA375727716.

ClinVar aggregate classification (germline): Uncertain significance (1 of 4 stars; one submission).

Allele frequency attached by ClinVar (database versions not stated): gnomAD exomes below 0.00001.
gnomAD v4.1: 1 of 1,613,052 alleles (0.000062%); highest among the groups gnomAD compares: South Asian, 0.0011%; no homozygotes.

Submission:

Labcorp Genetics (formerly Invitae), Labcorp
Classification: Uncertain significance. Last evaluated: 2022-08-09. Review status: criteria provided, single submitter. Criteria: Invitae Variant Classification Sherloc (09022015). Collection method: clinical testing. Allele origin: germline.
Comment: This sequence change replaces alanine, which is neutral and non-polar, with valine, which is neutral and non-polar, at codon 105 of the SLC34A3 protein (p.Ala105Val). This variant is present in population databases (no rsID available, gnomAD 0.003%). This variant has not been reported in the literature in individuals affected with SLC34A3-related conditions. In summary, the available evidence is currently insufficient to determine the role of this variant in disease. Therefore, it has been classified as a Variant of Uncertain Significance. Algorithms developed to predict the effect of missense changes on protein structure and function (SIFT, PolyPhen-2, Align-GVGD) all suggest that this variant is likely to be tolerated. ClinVar contains an entry for this variant (Variation ID: 1381759).